The following is an entry in ClinVar:

ClinVar aggregate classification (germline): Uncertain significance. Review status: criteria provided, multiple submitters, no conflicts (2 of 4 stars). 3 submissions from 3 submitters: Uncertain significance (3). Last evaluated 2026-05-13.

Conditions:
Dilated cardiomyopathy 1W (CMD1W). Identifiers: Orphanet 154, MedGen C1969639, MONDO:0012667, OMIM 611407.
VCL-related disorder. Also called: VCL-related condition.
Hypertrophic cardiomyopathy 15. Identifiers: MedGen C2750459, MONDO:0013200, OMIM 613255.

Allele frequency attached by ClinVar (database versions not stated): gnomAD exomes below 0.00001; gnomAD 0.00001; TOPMed 0.00001.
gnomAD v4.1: 3 of 1,614,078 alleles (0.00019%); highest among the groups gnomAD compares: Admixed American, 0.0017%; no homozygotes.

Submissions (3):

PreventionGenetics, part of Exact Sciences
Classification: Uncertain significance for VCL-related condition. Last evaluated: 2026-05-13. Review status: criteria provided, single submitter. Criteria: ACMG Guidelines, 2015. Collection method: clinical testing. Allele origin: germline.
Comment: The VCL c.2558G>A variant is predicted to result in the amino acid substitution p.Arg853Gln. To our knowledge, this variant has not been reported in the literature. This variant is reported in 0.0029% of alleles in individuals of Latino descent in gnomAD. At this time, the clinical significance of this variant is uncertain due to the absence of conclusive functional and genetic evidence.

Fulgent Genetics
Classification: Uncertain significance for Dilated cardiomyopathy 1W; Hypertrophic cardiomyopathy 15. Last evaluated: 2021-07-12. Review status: criteria provided, single submitter. Criteria: ACMG Guidelines, 2015. Collection method: clinical testing. Allele origin: unknown.

Labcorp Genetics (formerly Invitae), Labcorp
Classification: Uncertain significance for Dilated cardiomyopathy 1W. Last evaluated: 2019-11-27. Review status: criteria provided, single submitter. Criteria: Invitae Variant Classification Sherloc (09022015). Collection method: clinical testing. Allele origin: germline.
Comment: This variant has not been reported in the literature in individuals with VCL-related conditions. This sequence change replaces arginine with glutamine at codon 853 of the VCL protein (p.Arg853Gln). The arginine residue is moderately conserved and there is a small physicochemical difference between arginine and glutamine. This variant is not present in population databases (ExAC no frequency). Algorithms developed to predict the effect of missense changes on protein structure and function (SIFT, PolyPhen-2, Align-GVGD) all suggest that this variant is likely to be tolerated, but these predictions have not been confirmed by published functional studies and their clinical significance is uncertain. In summary, the available evidence is currently insufficient to determine the role of this variant in disease. Therefore, it has been classified as a Variant of Uncertain Significance.

NM_014000.3(VCL):c.2558G>A (p.Arg853Gln)

Gene: VCL (vinculin; plus strand). Cytogenetic location: 10q22.2.
Variant type: single nucleotide variant.
Coding change: c.2558G>A on transcript NM_014000.3 (MANE Select); coding-DNA position 2558, G replaced by A.
Protein change: p.Arg853Gln; replaces arginine 853 with glutamine.
Molecular consequence: missense variant.
Genome position (GRCh38, 1-based): chr10:74,107,353, G>A. VCF-style: chr10-74107353-G-A. GRCh37 (hg19) VCF-style: chr10-75867111-G-A.
Other names: c.2558G>A, p.Arg853Gln (NM_003373.4); short protein forms R853Q.
Identifiers: ClinVar variation 843336 (VCV000843336.9), dbSNP rs992716111, ClinGen allele CA209695509.
Genomic context (GRCh38, chr10:74,107,353, plus strand): 5'-AAGCCTTCCAACCTCAGGAGCCTGACTTCCCGCCGCCTCCACCAGACCTTGAACAACTCC[G>A]AGTAAGTAAATTCAGATATGCAGAGAATTGAGCAGGAAGGTGTTGAGACTTCAGCAAGAG-3'
Protein context (NP_054706.1, residues 843-863): PPPPPDLEQL[Arg853Gln]LTDELAPPKP